The following is an entry in ClinVar:

NM_170606.3(KMT2C):c.3685A>G (p.Arg1229Gly)

Gene: KMT2C (lysine methyltransferase 2C; minus strand). Cytogenetic location: 7q36.1.
Variant type: single nucleotide variant.
Coding change: c.3685A>G on transcript NM_170606.3 (MANE Select); coding-DNA position 3685, A replaced by G.
Protein change: p.Arg1229Gly; replaces arginine 1229 with glycine.
Molecular consequence: missense variant.
Genome position (GRCh38, 1-based): chr7:152,220,550, T>C on the plus strand (A>G on the coding strand, the complement: KMT2C is on the minus strand). VCF-style: chr7-152220550-T-C. GRCh37 (hg19) VCF-style: chr7-151917635-T-C.
Other names: c.3685A>G (NM_170606.2); short protein forms R1229G.
Identifiers: ClinVar variation 3341896 (VCV003341896.17).

ClinVar aggregate classification (germline): Uncertain significance. Review status: criteria provided, multiple submitters, no conflicts (2 of 4 stars). 2 submissions from 2 submitters: Uncertain significance (2). Last evaluated 2025-08-30.

Conditions:
Inborn genetic diseases. Identifiers: MedGen C0950123, MeSH D030342.

gnomAD v4.1: 7 of 1,610,992 alleles (0.00043%); highest among the groups gnomAD compares: African/African-American, 0.0013%; no homozygotes.

Submissions (2):

Ambry Genetics
Classification: Uncertain significance for Inborn genetic diseases. Last evaluated: 2025-08-30. Review status: criteria provided, single submitter. Criteria: Ambry Variant Classification Scheme 2023. Collection method: clinical testing. Allele origin: germline.

CeGaT Center for Human Genetics Tuebingen
Classification: Uncertain significance. Last evaluated: 2024-08-01. Review status: criteria provided, single submitter. Criteria: CeGaT Center For Human Genetics Tuebingen Variant Classification Criteria Version 2. Collection method: clinical testing. Allele origin: germline. Affected: yes. Observed: 1 variant allele.
Comment: KMT2C: PP2, PP3